The following is an entry in ClinVar:

ClinVar aggregate classification (germline): Uncertain significance (1 of 4 stars; one submission).

Conditions:
SETBP1-related disorder. Also called: SETBP1-related condition; SETBP1-related disorders.

Submission:

PreventionGenetics, part of Exact Sciences
Classification: Uncertain significance for SETBP1-related condition. Last evaluated: 2023-08-17. Review status: criteria provided, single submitter. Criteria: ACMG Guidelines, 2015. Collection method: clinical testing. Allele origin: germline.
Comment: The SETBP1 c.4360C>A variant is predicted to result in the amino acid substitution p.Arg1454Ser. To our knowledge, this variant has not been reported in the literature or in a large population database, indicating this variant is rare. At this time, the clinical significance of this variant is uncertain due to the absence of conclusive functional and genetic evidence.

NM_015559.3(SETBP1):c.4360C>A (p.Arg1454Ser)

Gene: SETBP1 (SET binding protein 1; plus strand). Cytogenetic location: 18q12.3.
Variant type: single nucleotide variant.
Coding change: c.4360C>A on transcript NM_015559.3 (MANE Select); coding-DNA position 4360, C replaced by A.
Protein change: p.Arg1454Ser; replaces arginine 1454 with serine.
Molecular consequence: missense variant.
Genome position (GRCh38, 1-based): chr18:45,063,267, C>A. VCF-style: chr18-45063267-C-A. GRCh37 (hg19) VCF-style: chr18-42643232-C-A.
Other names: c.4360C>A, p.Arg1454Ser (NM_001379141.1, NM_001379142.1); c.4189C>A, p.Arg1397Ser (NM_001410862.1); short protein forms R1397S, R1454S.
Identifiers: ClinVar variation 2636032 (VCV002636032.1), dbSNP rs1254464012, ClinGen allele CA402483234.